The following is an entry in ClinVar:

ClinVar aggregate classification (germline): Uncertain significance. Review status: criteria provided, multiple submitters, no conflicts (2 of 4 stars). 5 submissions from 5 submitters: Uncertain significance (4). 1 of the submissions does not count toward it. Last evaluated 2025-03-03.

Conditions:
MHC class II deficiency. Also called: Bare lymphocyte syndrome 2; BLS, TYPE II. Identifiers: Orphanet 572, MedGen C5447452, MONDO:0008855.
Rheumatoid arthritis (RA). Also called: RHEUMATOID ARTHRITIS, SUSCEPTIBILITY TO. Identifiers: MedGen C0003873, MONDO:0008383, OMIM 180300, HP:0001370.
Inborn genetic diseases. Identifiers: MedGen C0950123, MeSH D030342.

Allele frequency attached by ClinVar (database versions not stated): ExAC 0.00001; gnomAD 0.00003 and 0.00002; ESP Exome Variant Server 0.00015; gnomAD exomes 0.00001; TOPMed 0.00003.
gnomAD v4.1: 38 of 1,614,070 alleles (0.0024%); highest among the groups gnomAD compares: East Asian, 0.0089%; no homozygotes.

Submissions (5):

Ambry Genetics
Classification: Uncertain significance for Inborn genetic diseases. Last evaluated: 2025-03-03. Review status: criteria provided, single submitter. Criteria: Ambry Variant Classification Scheme 2023. Collection method: clinical testing. Allele origin: germline.

Labcorp Genetics (formerly Invitae), Labcorp
Classification: Uncertain significance for MHC class II deficiency. Last evaluated: 2022-03-16. Review status: criteria provided, single submitter. Criteria: Invitae Variant Classification Sherloc (09022015). Collection method: clinical testing. Allele origin: germline.
Comment: This sequence change replaces proline, which is neutral and non-polar, with leucine, which is neutral and non-polar, at codon 699 of the CIITA protein (p.Pro699Leu). This variant is present in population databases (rs369787912, gnomAD 0.003%). This variant has not been reported in the literature in individuals affected with CIITA-related conditions. ClinVar contains an entry for this variant (Variation ID: 317704). Algorithms developed to predict the effect of missense changes on protein structure and function output the following: SIFT: "Tolerated"; PolyPhen-2: "Benign"; Align-GVGD: "Class C0". The leucine amino acid residue is found in multiple mammalian species, which suggests that this missense change does not adversely affect protein function. In summary, the available evidence is currently insufficient to determine the role of this variant in disease. Therefore, it has been classified as a Variant of Uncertain Significance.

Fulgent Genetics
Classification: Uncertain significance for Rheumatoid arthritis; MHC class II deficiency 1. Last evaluated: 2021-07-06. Review status: criteria provided, single submitter. Criteria: ACMG Guidelines, 2015. Collection method: clinical testing. Allele origin: unknown.

Illumina Laboratory Services, Illumina
Classification: Uncertain significance for MHC class II deficiency 1. Last evaluated: 2018-01-12. Review status: criteria provided, single submitter. Criteria: ICSL Variant Classification Criteria 13 December 2019. Collection method: clinical testing. Allele origin: germline.

Natera, Inc.
Classification: Uncertain significance for Bare lymphocyte syndrome type II. Last evaluated: 2020-01-24. Review status: no assertion criteria provided. Collection method: clinical testing. Allele origin: germline. Not counted in ClinVar's aggregate classification.

NM_000246.4(CIITA):c.2096C>T (p.Pro699Leu)

Gene: CIITA (class II major histocompatibility complex transactivator; plus strand). Cytogenetic location: 16p13.13.
Variant type: single nucleotide variant.
Coding change: c.2096C>T on transcript NM_000246.4 (MANE Select); coding-DNA position 2096, C replaced by T.
Protein change: p.Pro699Leu; replaces proline 699 with leucine.
Molecular consequence: missense variant. On other transcripts: intron variant (1).
Genome position (GRCh38, 1-based): chr16:10,907,588, C>T. VCF-style: chr16-10907588-C-T. GRCh37 (hg19) VCF-style: chr16-11001445-C-T.
Other names: c.2099C>T, p.Pro700Leu (NM_001286402.1, NM_001379332.1); c.1952C>T, p.Pro651Leu (NM_001379330.1); c.1949C>T, p.Pro650Leu (NM_001379331.1); c.2096C>T, p.Pro699Leu (NM_001379333.1); c.2027C>T, p.Pro676Leu (NM_001379334.1); c.860-1395C>T (NM_001286403.2); short protein forms P699L, P700L, P650L, P651L, P676L.
Identifiers: ClinVar variation 317704 (VCV000317704.13), dbSNP rs369787912, ClinGen allele CA7900291.